The following is an entry in ClinVar:

NM_004998.4(MYO1E):c.3118G>C (p.Gly1040Arg)

Genes: MYO1E (myosin IE; minus strand), LOC112272600 (Sharpr-MPRA regulatory region 4265; plus strand). Cytogenetic location: 15q22.2.
Variant type: single nucleotide variant.
Coding change: c.3118G>C on transcript NM_004998.4 (MANE Select); coding-DNA position 3118, G replaced by C.
Protein change: p.Gly1040Arg; replaces glycine 1040 with arginine.
Molecular consequence: missense variant.
Genome position (GRCh38, 1-based): chr15:59,138,330, C>G on the plus strand (G>C on the coding strand, the complement: MYO1E is on the minus strand). VCF-style: chr15-59138330-C-G. GRCh37 (hg19) VCF-style: chr15-59430529-C-G.
Other names: short protein forms G1040R.
Identifiers: ClinVar variation 1519987 (VCV001519987.7), dbSNP rs372582214, ClinGen allele CA7588999.

ClinVar aggregate classification (germline): Uncertain significance. Review status: criteria provided, multiple submitters, no conflicts (2 of 4 stars). 2 submissions from 2 submitters: Uncertain significance (2). Last evaluated 2023-05-08.

Conditions:
Focal segmental glomerulosclerosis 6 (FSGS6). Identifiers: Orphanet 656, MedGen C3279905, MONDO:0013589, OMIM 614131.

Allele frequency attached by ClinVar (database versions not stated): ExAC 0.00001; gnomAD exomes 0.00001; TOPMed 0.00001; ESP Exome Variant Server 0.00008.
gnomAD v4.1: 10 of 1,614,214 alleles (0.00062%); highest among the groups gnomAD compares: East Asian, 0.0022%; no homozygotes.

Submissions (2):

Labcorp Genetics (formerly Invitae), Labcorp
Classification: Uncertain significance. Last evaluated: 2023-05-08. Review status: criteria provided, single submitter. Criteria: Invitae Variant Classification Sherloc (09022015). Collection method: clinical testing. Allele origin: germline.
Comment: This sequence change replaces glycine, which is neutral and non-polar, with arginine, which is basic and polar, at codon 1040 of the MYO1E protein (p.Gly1040Arg). This variant is present in population databases (rs372582214, gnomAD 0.006%). This variant has not been reported in the literature in individuals affected with MYO1E-related conditions. ClinVar contains an entry for this variant (Variation ID: 1519987). An algorithm developed to predict the effect of missense changes on protein structure and function (PolyPhen-2) suggests that this variant is likely to be disruptive. In summary, the available evidence is currently insufficient to determine the role of this variant in disease. Therefore, it has been classified as a Variant of Uncertain Significance.

Fulgent Genetics
Classification: Uncertain significance for Focal segmental glomerulosclerosis 6. Last evaluated: 2022-05-02. Review status: criteria provided, single submitter. Criteria: ACMG Guidelines, 2015. Collection method: clinical testing. Allele origin: unknown.